The following is an entry in ClinVar:

ClinVar aggregate classification (germline): Pathogenic (1 of 4 stars; one submission).

Conditions:
Acyl-CoA oxidase deficiency. Also called: STRAIGHT-CHAIN ACYL-CoA OXIDASE DEFICIENCY; Pseudoneonatal adrenoleukodystrophy; Peroxisomal acyl-CoA oxidase deficiency. Identifiers: Orphanet 2971, MedGen C1849678, MONDO:0009919, OMIM 264470. Disease mechanism: loss of function.

Submission:

Labcorp Genetics (formerly Invitae), Labcorp
Classification: Pathogenic for Acyl-CoA oxidase deficiency. Last evaluated: 2023-12-10. Review status: criteria provided, single submitter. Criteria: Invitae Variant Classification Sherloc (09022015). Collection method: clinical testing. Allele origin: germline.
Comment: This sequence change creates a premature translational stop signal (p.Lys229Asnfs*7) in the ACOX1 gene. It is expected to result in an absent or disrupted protein product. Loss-of-function variants in ACOX1 are known to be pathogenic (PMID: 8040306, 17458872). This variant is not present in population databases (gnomAD no frequency). This variant has not been reported in the literature in individuals affected with ACOX1-related conditions. For these reasons, this variant has been classified as Pathogenic.

Literature cited by the submitters: PubMed 8040306; PubMed 17458872.

NM_004035.7(ACOX1):c.684del (p.Lys229fs)

Gene: ACOX1 (acyl-CoA oxidase 1; minus strand). Cytogenetic location: 17q25.1.
Variant type: Deletion.
Coding change: c.684del on transcript NM_004035.7 (MANE Select); coding-DNA position 684, one base deleted (C; older notation c.684delC).
Protein change: p.Lys229fs; shifts the reading frame from lysine 229.
Molecular consequence: frameshift variant.
Genome position (GRCh38, 1-based): chr17:75,955,656, G deleted on the plus strand (C on the coding strand, the reverse complement: ACOX1 is on the minus strand); the first of 4 consecutive G bases (chr17:75,955,656-75,955,659); deleting any one gives the same sequence. VCF-style (leftmost placement, unchanged base first): chr17-75955655-TG-T. GRCh37 (hg19) VCF-style: chr17-73951736-TG-T.
Other names: c.570del, p.Lys191fs (NM_001185039.2); c.684del, p.Lys229fs (NM_007292.6); short protein forms K229fs, K191fs.
Identifiers: ClinVar variation 2702029 (VCV002702029.3), dbSNP rs2546079619, ClinGen allele CA2697555201.